The following is an entry in ClinVar:

NM_054012.4(ASS1):c.688+4T>C

Gene: ASS1 (argininosuccinate synthase 1; plus strand). Cytogenetic location: 9q34.11.
Variant type: single nucleotide variant.
Coding change: c.688+4T>C on transcript NM_054012.4 (MANE Select); 4 bases into the intron after coding-DNA position 688, T replaced by C.
Molecular consequence: intron variant.
Genome position (GRCh38, 1-based): chr9:130,476,965, T>C. VCF-style: chr9-130476965-T-C. GRCh37 (hg19) VCF-style: chr9-133352352-T-C.
Other names: c.688+4T>C (NM_000050.4).
Identifiers: ClinVar variation 193550 (VCV000193550.25), dbSNP rs78432485, ClinGen allele CA200652.
Genomic context (GRCh38, chr9:130,476,965, plus strand): 5'-AGGACCCAGCCAAAGCCCCCAACACCCCTGACATTCTCGAGATCGAGTTCAAAAAAGGTA[T>C]GTGCCCACCTGTTGGGACTCGAAGGGGGTTGACTTTTGGGGCCCTGGCTCCTTTCCCCTC-3'

ClinVar aggregate classification (germline): Benign. Review status: criteria provided, multiple submitters, no conflicts (2 of 4 stars). 8 submissions from 8 submitters: Benign (7). 1 of the submissions does not count toward it. Last evaluated 2026-02-02.

Conditions:
Citrullinemia. Identifiers: Orphanet 187, MedGen C0175683, MONDO:0015991.
Citrullinemia type I (CTNL1). Also called: argininosuccinate synthetase deficiency; ASS DEFICIENCY. Identifiers: Orphanet 247525, MedGen C4721769, MONDO:0008988, OMIM 215700.

Allele frequency attached by ClinVar (database versions not stated): gnomAD exomes 0.00189 and 0.00497; ExAC 0.00637; gnomAD 0.01908 and 0.02036; ESP Exome Variant Server 0.02091; TOPMed 0.02206; 1000 Genomes Project 0.02256; 1000 Genomes Project 30x 0.02295.
gnomAD v4.1: 5,837 of 1,613,064 alleles (0.36%); highest among the groups gnomAD compares: African/African-American, 6.5%; 208 homozygotes.

Submissions (8):

Labcorp Genetics (formerly Invitae), Labcorp
Classification: Benign for Citrullinemia. Last evaluated: 2026-02-02. Review status: criteria provided, single submitter. Criteria: Invitae Variant Classification Sherloc (09022015). Collection method: clinical testing. Allele origin: germline.

Women's Health and Genetics/Laboratory Corporation of America, LabCorp
Classification: Benign. Last evaluated: 2021-12-10. Review status: criteria provided, single submitter. Criteria: LabCorp Variant Classification Summary - May 2015. Collection method: clinical testing. Allele origin: germline.

Illumina Laboratory Services, Illumina
Classification: Benign for Citrullinemia type I. Last evaluated: 2018-01-12. Review status: criteria provided, single submitter. Criteria: ICSL Variant Classification Criteria 13 December 2019. Collection method: clinical testing. Allele origin: germline.
Comment: This variant was observed in the ICSL laboratory as part of a predisposition screen in an ostensibly healthy population. It had not been previously curated by ICSL or reported in the Human Gene Mutation Database (HGMD: prior to June 1st, 2018), and was therefore a candidate for classification through an automated scoring system. Utilizing variant allele frequency, disease prevalence and penetrance estimates, and inheritance mode, an automated score was calculated to assess if this variant is too frequent to cause the disease. Based on the score and internal cut-off values, a variant classified as benign is not then subjected to further curation. The score for this variant resulted in a classification of benign for this disease.

GeneDx
Classification: Benign. Last evaluated: 2016-02-08. Review status: criteria provided, single submitter. Criteria: GeneDx Variant Classification (06012015). Collection method: clinical testing. Allele origin: germline. Affected: yes.
Comment: This variant is considered likely benign or benign based on one or more of the following criteria: it is a conservative change, it occurs at a poorly conserved position in the protein, it is predicted to be benign by multiple in silico algorithms, and/or has population frequency not consistent with disease.

Eurofins Ntd Llc (ga)
Classification: Benign. Last evaluated: 2014-10-06. Review status: criteria provided, single submitter. Criteria: EGL Classification Definitions 2015. Collection method: clinical testing. Allele origin: germline. Observed: 1 variant allele, 1 heterozygote.

Breakthrough Genomics
Classification: Benign. Review status: criteria provided, single submitter. Criteria: ACMG Guidelines, 2015. Collection method: not provided. Allele origin: germline. Inheritance: Autosomal recessive inheritance. Affected: yes.

PreventionGenetics, part of Exact Sciences
Classification: Benign. Review status: criteria provided, single submitter. Criteria: ACMG Guidelines, 2015. Collection method: clinical testing. Allele origin: germline.

Natera, Inc.
Classification: Benign for Citrullinemia type I. Last evaluated: 2017-08-09. Review status: no assertion criteria provided. Collection method: clinical testing. Allele origin: germline. Not counted in ClinVar's aggregate classification.